The following is an entry in ClinVar:

ClinVar aggregate classification (germline): Uncertain significance (1 of 4 stars; one submission).

Submission:

GeneDx
Classification: Uncertain significance. Last evaluated: 2022-11-22. Review status: criteria provided, single submitter. Criteria: GeneDx Variant Classification Process June 2021. Collection method: clinical testing. Allele origin: germline. Affected: yes.
Comment: In-frame deletion of 1 amino acid in a non-repeat region; In silico analysis supports a deleterious effect on protein structure/function; Has not been previously published as pathogenic or benign to our knowledge

NM_024496.4(IRF2BPL):c.2377_2379del (p.Glu793del)

Gene: IRF2BPL (interferon regulatory factor 2 binding protein like; minus strand). Cytogenetic location: 14q24.3.
Variant type: Deletion.
Coding change: c.2377_2379del on transcript NM_024496.4 (MANE Select); coding-DNA positions 2377 to 2379, 3 bases deleted (GAG; older notation c.2377_2379delGAG).
Protein change: p.Glu793del; deletes glutamic acid 793.
Molecular consequence: inframe deletion.
Genome position (GRCh38, 1-based): chr14:77,025,414-77,025,416, CTC deleted on the plus strand (GAG on the coding strand, the reverse complement: IRF2BPL is on the minus strand); deleting any 3 consecutive bases within chr14:77,025,414-77,025,418 gives the same sequence; the c. name uses the placement nearest the transcript's 3' end. VCF-style (leftmost placement, unchanged base first): chr14-77025413-TCTC-T. GRCh37 (hg19) VCF-style: chr14-77491756-TCTC-T.
Other names: short protein forms E793del.
Identifiers: ClinVar variation 2502511 (VCV002502511.1), dbSNP rs1268157935, ClinGen allele CA615212647.
Genomic context (GRCh38, chr14:77,025,413, plus strand): 5'-GGATTGGAGAGGAGCTGGTCTAGGGCAAAGGAGGTGGCTGCCCAGTGGTTCAAGGGTCTC[TCTC>T]CTTTTTCACTTTAACATCCCCAGCTAAGATAGTCGCGATTTCGCCCTGCATGAAGGCCCA-3'